The following is an entry in ClinVar:

ClinVar aggregate classification (germline): Uncertain significance. Review status: criteria provided, multiple submitters, no conflicts (2 of 4 stars). 2 submissions from 2 submitters: Uncertain significance (2). Last evaluated 2024-02-24.

Allele frequency attached by ClinVar (database versions not stated): gnomAD exomes 0.00001; gnomAD 0.00002; TOPMed 0.00002.
gnomAD v4.1: 14 of 1,576,382 alleles (0.00089%); highest among the groups gnomAD compares: Non-Finnish European, 0.0012%; no homozygotes.

Submissions (2):

Labcorp Genetics (formerly Invitae), Labcorp
Classification: Uncertain significance. Last evaluated: 2024-02-24. Review status: criteria provided, single submitter. Criteria: Invitae Variant Classification Sherloc (09022015). Collection method: clinical testing. Allele origin: germline.
Comment: This sequence change replaces alanine, which is neutral and non-polar, with aspartic acid, which is acidic and polar, at codon 2613 of the MYO15A protein (p.Ala2613Asp). The frequency data for this variant in the population databases is considered unreliable, as metrics indicate poor data quality at this position in the gnomAD database. This variant has not been reported in the literature in individuals affected with MYO15A-related conditions. ClinVar contains an entry for this variant (Variation ID: 286300). Advanced modeling of protein sequence and biophysical properties (such as structural, functional, and spatial information, amino acid conservation, physicochemical variation, residue mobility, and thermodynamic stability) has been performed at Invitae for this missense variant, however the output from this modeling did not meet the statistical confidence thresholds required to predict the impact of this variant on MYO15A protein function. In summary, the available evidence is currently insufficient to determine the role of this variant in disease. Therefore, it has been classified as a Variant of Uncertain Significance.

Eurofins Ntd Llc (ga)
Classification: Uncertain significance. Last evaluated: 2016-03-21. Review status: criteria provided, single submitter. Criteria: EGL Classification Definitions 2015. Collection method: clinical testing. Allele origin: germline. Observed: 1 variant allele, 1 heterozygote.

NM_016239.4(MYO15A):c.7838C>A (p.Ala2613Asp)

Gene: MYO15A (myosin XVA; plus strand). Cytogenetic location: 17p11.2.
Variant type: single nucleotide variant.
Coding change: c.7838C>A on transcript NM_016239.4 (MANE Select); coding-DNA position 7838, C replaced by A.
Protein change: p.Ala2613Asp; replaces alanine 2613 with aspartic acid.
Molecular consequence: missense variant.
Genome position (GRCh38, 1-based): chr17:18,151,896, C>A. VCF-style: chr17-18151896-C-A. GRCh37 (hg19) VCF-style: chr17-18055210-C-A.
Other names: short protein forms A2613D.
Identifiers: ClinVar variation 286300 (VCV000286300.11), dbSNP rs886043362, ClinGen allele CA10605431.
Genomic context (GRCh38, chr17:18,151,896, plus strand): 5'-ATGCCCACAGGAAGGATGGCGGGAAAGTGTTCATGAAGCGGCCAGACCCTCATGAGGAGG[C>A]CCTGATGATCCTGAAAGGGCAGATGACCCACCTGGCAGCTGCACCTGGCACCCAGGTGAG-3'
Protein context (NP_057323.3, residues 2603-2623): FMKRPDPHEE[Ala2613Asp]LMILKGQMTH